The following is an entry in ClinVar:

NC_000002.11:g.(?_179407899)_(179439276_?)del

Gene: TTN (titin; minus strand). Cytogenetic location: 2q31.2.
Variant type: Deletion.
Identifiers: ClinVar variation 2424047 (VCV002424047.6).

ClinVar aggregate classification (germline): Likely pathogenic (1 of 4 stars; one submission).

Conditions:
Dilated cardiomyopathy 1G (CMD1G). Identifiers: Orphanet 154, MedGen C1858763, MONDO:0011400, OMIM 604145.
Autosomal recessive limb-girdle muscular dystrophy type 2J (LGMDR10). Also called: MUSCULAR DYSTROPHY, LIMB-GIRDLE, AUTOSOMAL RECESSIVE 10; Limb-girdle muscular dystrophy, type 2J. Identifiers: Orphanet 140922, MedGen C1837342, MONDO:0012127, OMIM 608807.

Submission:

Labcorp Genetics (formerly Invitae), Labcorp
Classification: Likely pathogenic for Dilated cardiomyopathy 1G; Autosomal recessive limb-girdle muscular dystrophy type 2J. Last evaluated: 2022-10-14. Review status: criteria provided, single submitter. Criteria: Invitae Variant Classification Sherloc (09022015). Collection method: clinical testing. Allele origin: germline.
Comment: This variant results in the deletion of part of exon 326, exons 327-346, and part of exon 347 (c.71583_96801del) of the TTN gene. While this is not anticipated to result in nonsense mediated decay, it is expected to create a truncated TTN protein. In summary, the currently available evidence indicates that the variant is pathogenic, but additional data are needed to prove that conclusively. Therefore, this variant has been classified as Likely Pathogenic. This variant is located in the A band of TTN (PMID: 25589632). Truncating variants in this region are significantly overrepresented in patients affected with dilated cardiomyopathy (PMID: 25589632). Truncating variants in this region have also been reported in individuals affected with autosomal recessive centronuclear myopathy (PMID: 23975875). This variant has not been reported in the literature in individuals affected with TTN-related conditions.

Literature cited by the submitters: PubMed 25589632; PubMed 23975875.